The following is an entry in ClinVar:

NM_001134407.3(GRIN2A):c.-190C>T

Gene: GRIN2A (glutamate ionotropic receptor NMDA type subunit 2A; minus strand). Cytogenetic location: 16p13.2.
Variant type: single nucleotide variant.
Coding change: c.-190C>T on transcript NM_001134407.3 (MANE Select); 190 bases upstream of the start codon, C replaced by T.
Molecular consequence: 5 prime UTR variant.
Genome position (GRCh38, 1-based): chr16:10,182,048, G>A on the plus strand (C>T on the coding strand, the complement: GRIN2A is on the minus strand). VCF-style: chr16-10182048-G-A. GRCh37 (hg19) VCF-style: chr16-10275905-G-A.
Other names: c.-190C>T (NM_000833.5, NM_001134408.2).
Identifiers: ClinVar variation 507710 (VCV000507710.1), dbSNP rs771301601, ClinGen allele CA277617600.

ClinVar aggregate classification (germline): Likely benign (1 of 4 stars; one submission).

Allele frequency attached by ClinVar (database versions not stated): TOPMed 0.00001.

Submission:

GeneDx
Classification: Likely benign. Last evaluated: 2017-03-02. Review status: criteria provided, single submitter. Criteria: GeneDx Variant Classification (06012015). Collection method: clinical testing. Allele origin: germline. Affected: yes.
Comment: This variant is considered likely benign or benign based on one or more of the following criteria: it is a conservative change, it occurs at a poorly conserved position in the protein, it is predicted to be benign by multiple in silico algorithms, and/or has population frequency not consistent with disease.